The following is an entry in ClinVar:

ClinVar aggregate classification (germline): Likely benign (1 of 4 stars; one submission).

Allele frequency attached by ClinVar (database versions not stated): gnomAD exomes below 0.00001; ExAC 0.00001.

Submission:

CeGaT Center for Human Genetics Tuebingen
Classification: Likely benign. Last evaluated: 2024-01-01. Review status: criteria provided, single submitter. Criteria: CeGaT Center For Human Genetics Tuebingen Variant Classification Criteria Version 2. Collection method: clinical testing. Allele origin: germline. Affected: yes. Observed: 1 variant allele.
Comment: AGBL5: BP4, BP7

NM_021831.6(AGBL5):c.111T>C (p.Gly37=)

Gene: AGBL5 (AGBL carboxypeptidase 5; plus strand). Cytogenetic location: 2p23.3.
Variant type: single nucleotide variant.
Coding change: c.111T>C on transcript NM_021831.6 (MANE Select); coding-DNA position 111, T replaced by C.
Protein change: p.Gly37=; no amino-acid change (glycine 37 retained).
Molecular consequence: synonymous variant. On other transcripts: non-coding transcript variant (2).
Genome position (GRCh38, 1-based): chr2:27,053,069, T>C. VCF-style: chr2-27053069-T-C. GRCh37 (hg19) VCF-style: chr2-27275937-T-C.
Other names: c.111T>C, p.Gly37= (NM_001035506.1, NM_001035507.3).
Identifiers: ClinVar variation 3026337 (VCV003026337.22), dbSNP rs767340503, ClinGen allele CA1567549.